The following is an entry in ClinVar:

NC_000002.11:g.(?_27532780)_(27532869_?)del

Gene: MPV17 (mitochondrial inner membrane protein MPV17; minus strand). Cytogenetic location: 2p23.3.
Variant type: Deletion.
Identifiers: ClinVar variation 2424432 (VCV002424432.4).

ClinVar aggregate classification (germline): Pathogenic (1 of 4 stars; one submission).

Submission:

Labcorp Genetics (formerly Invitae), Labcorp
Classification: Pathogenic. Last evaluated: 2023-11-10. Review status: criteria provided, single submitter. Criteria: Invitae Variant Classification Sherloc (09022015). Collection method: clinical testing. Allele origin: germline.
Comment: This variant is a gross deletion of the genomic region encompassing exon(s) 8 of the MPV17 gene, which includes the termination codon. This deletion extends beyond the assayed region for this gene and therefore may encompass additional genes. While this deletion is not anticipated to lead to nonsense mediated decay, it is expected to alter mRNA translation or result in a truncated protein product. A similar copy number variant has been observed in individual(s) with mitochondrial DNA depletion syndrome (PMID: 18695062). This variant disrupts a region of the MPV17 protein in which other variant(s) (p.Ser170Phe) have been determined to be pathogenic (PMID: 19520594). This suggests that this is a clinically significant region of the protein, and that variants that disrupt it are likely to be disease-causing. For these reasons, this variant has been classified as Pathogenic.

Literature cited by the submitters: PubMed 18695062; PubMed 19520594.